The following is an entry in ClinVar:

NM_000135.4(FANCA):c.868T>G (p.Ser290Ala)

Gene: FANCA (FA complementation group A; minus strand). Cytogenetic location: 16q24.3.
Variant type: single nucleotide variant.
Coding change: c.868T>G on transcript NM_000135.4 (MANE Select); coding-DNA position 868, T replaced by G.
Protein change: p.Ser290Ala; replaces serine 290 with alanine.
Molecular consequence: missense variant.
Genome position (GRCh38, 1-based): chr16:89,799,191, A>C on the plus strand (T>G on the coding strand, the complement: FANCA is on the minus strand). VCF-style: chr16-89799191-A-C. GRCh37 (hg19) VCF-style: chr16-89865599-A-C.
Other names: c.868T>G, p.Ser290Ala (NM_001018112.3, NM_001286167.3); c.772T>G, p.Ser258Ala (NM_001351830.2); short protein forms S258A, S290A.
Identifiers: ClinVar variation 4870785 (VCV004870785.1).
Genomic context (GRCh38, chr16:89,799,191, plus strand): 5'-CTGCACACTCAGGCAGGCCACCCTCAGGAACATACCAGCACCTCACGATCTTGTGAGTGG[A>C]GGACTCCTCCTGTACTCCAGCAGCCAAAGCGTCAAGTGCAACTGAAGACAGAGCCAGGAA-3'
Protein context (NP_000126.2, residues 280-300): ALAAGVQEES[Ser290Ala]THKIVRCWFG

ClinVar aggregate classification (germline): Uncertain significance (1 of 4 stars; one submission).

Conditions:
Inborn genetic diseases. Identifiers: MedGen C0950123, MeSH D030342.

Submission:

Ambry Genetics
Classification: Uncertain significance for Inborn genetic diseases. Last evaluated: 2026-03-15. Review status: criteria provided, single submitter. Criteria: Ambry Variant Classification Scheme 2023. Collection method: clinical testing. Allele origin: germline.
Comment: The p.S290A variant (also known as c.868T>G), located in coding exon 10 of the FANCA gene, results from a T to G substitution at nucleotide position 868. The serine at codon 290 is replaced by alanine, an amino acid with similar properties. This amino acid position is conserved. In addition, this alteration is predicted to be tolerated by in silico analysis. Based on the available evidence, the clinical significance of this variant remains unclear.